The following is an entry in ClinVar:

NM_033380.3(COL4A5):c.2548C>T (p.Pro850Ser)

Gene: COL4A5 (collagen type IV alpha 5 chain; plus strand). Cytogenetic location: Xq22.3.
Variant type: single nucleotide variant.
Coding change: c.2548C>T on transcript NM_033380.3 (MANE Select); coding-DNA position 2548, C replaced by T.
Protein change: p.Pro850Ser; replaces proline 850 with serine.
Molecular consequence: missense variant.
Genome position (GRCh38, 1-based): chrX:108,620,297, C>T. VCF-style: chrX-108620297-C-T. GRCh37 (hg19) VCF-style: chrX-107863527-C-T.
Other names: c.2548C>T, p.Pro850Ser (NM_000495.5); short protein forms P850S.
Identifiers: ClinVar variation 1986226 (VCV001986226.1), dbSNP rs1314812071, ClinGen allele CA413851330.

ClinVar aggregate classification (germline): Uncertain significance (1 of 4 stars; one submission).

Allele frequency attached by ClinVar (database versions not stated): gnomAD 0.00001.
gnomAD v4.1: 1 of 1,206,468 alleles (0.000083%); highest among the groups gnomAD compares: Admixed American, 0.0022%; no homozygotes.

Submission:

Labcorp Genetics (formerly Invitae), Labcorp
Classification: Uncertain significance. Last evaluated: 2022-05-16. Review status: criteria provided, single submitter. Criteria: Invitae Variant Classification Sherloc (09022015). Collection method: clinical testing. Allele origin: germline.
Comment: This sequence change replaces proline, which is neutral and non-polar, with serine, which is neutral and polar, at codon 850 of the COL4A5 protein (p.Pro850Ser). This variant is present in population databases (no rsID available, gnomAD 0.2%). This variant has not been reported in the literature in individuals affected with COL4A5-related conditions. Advanced modeling of protein sequence and biophysical properties (such as structural, functional, and spatial information, amino acid conservation, physicochemical variation, residue mobility, and thermodynamic stability) performed at Invitae indicates that this missense variant is not expected to disrupt COL4A5 protein function. In summary, the available evidence is currently insufficient to determine the role of this variant in disease. Therefore, it has been classified as a Variant of Uncertain Significance.